The following is an entry in ClinVar:

NM_175914.5(HNF4A):c.537G>A (p.Trp179Ter)

Gene: HNF4A (hepatocyte nuclear factor 4 alpha; plus strand). Cytogenetic location: 20q13.12.
Variant type: single nucleotide variant.
Coding change: c.537G>A on transcript NM_175914.5 (MANE Select); coding-DNA position 537, G replaced by A.
Protein change: p.Trp179Ter; replaces tryptophan 179 with a stop codon.
Molecular consequence: nonsense.
Genome position (GRCh38, 1-based): chr20:44,414,617, G>A. VCF-style: chr20-44414617-G-A. GRCh37 (hg19) VCF-style: chr20-43043257-G-A.
Other names: c.603G>A, p.Trp201Ter (NM_000457.6, NM_178849.3, NM_178850.3); c.537G>A, p.Trp179Ter (NM_001030003.3, NM_001030004.3); c.582G>A, p.Trp194Ter (NM_001258355.2); c.528G>A, p.Trp176Ter (NM_001287182.2, NM_001287183.2, NM_001287184.2); short protein forms W176*, W179*, W194*, W201*.
Identifiers: ClinVar variation 1700659 (VCV001700659.3), dbSNP rs2515680101, ClinGen allele CA409106106.

ClinVar aggregate classification (germline): Pathogenic. Review status: criteria provided, multiple submitters, no conflicts (2 of 4 stars). 2 submissions from 2 submitters: Pathogenic (2). Last evaluated 2026-01-08.

Conditions:
Maturity-onset diabetes of the young type 1. Also called: MILD JUVENILE DIABETES MELLITUS; MODY, type I; MODY type 1; Diabetes mellitus MODY type 1; MODY HNF4A related; HNF4A-Related Maturity-Onset Diabetes of the Young Type 1. Identifiers: Orphanet 552, MedGen C1852093, MONDO:0007452, OMIM 125850. Disease mechanism: loss of function.

Allele frequency attached by ClinVar (database versions not stated): gnomAD exomes below 0.00001.
gnomAD v4.1: 1 of 1,613,804 alleles (0.000062%); highest among the groups gnomAD compares: Non-Finnish European, 0.000085%; no homozygotes.

Submissions (2):

Labcorp Genetics (formerly Invitae), Labcorp
Classification: Pathogenic. Last evaluated: 2026-01-08. Review status: criteria provided, single submitter. Criteria: Invitae Variant Classification Sherloc (09022015). Collection method: clinical testing. Allele origin: germline.
Comment: This sequence change creates a premature translational stop signal (p.Trp179*) in the HNF4A gene. It is expected to result in an absent or disrupted protein product. Loss-of-function variants in HNF4A are known to be pathogenic (PMID: 20164212, 23275527, 23348805, 24097065). This variant is not present in population databases (gnomAD no frequency). This variant has not been reported in the literature in individuals affected with HNF4A-related conditions. ClinVar contains an entry for this variant (Variation ID: 1700659). For these reasons, this variant has been classified as Pathogenic.

Geisinger Clinic, Geisinger Health System
Classification: Pathogenic for Maturity-onset diabetes of the young type 1. Last evaluated: 2022-08-02. Review status: criteria provided, single submitter. Criteria: ACMG Guidelines, 2015. Collection method: research. Allele origin: germline. Inheritance: Autosomal dominant inheritance. Affected: yes. Observed: 1 variant allele.
Comment: PVS1, PM2, PP4

Literature cited by the submitters: PubMed 20164212 (cited by Labcorp Genetics (formerly Invitae), Labcorp); PubMed 23275527 (cited by Labcorp Genetics (formerly Invitae), Labcorp); PubMed 23348805 (cited by Labcorp Genetics (formerly Invitae), Labcorp); PubMed 24097065 (cited by Labcorp Genetics (formerly Invitae), Labcorp); PubMed 36257325 (cited by Geisinger Clinic, Geisinger Health System).